The following is an entry in ClinVar:

ClinVar aggregate classification (germline): Uncertain significance (1 of 4 stars; one submission).

Conditions:
Inborn genetic diseases. Identifiers: MedGen C0950123, MeSH D030342.

Submission:

Ambry Genetics
Classification: Uncertain significance for Inborn genetic diseases. Last evaluated: 2025-01-20. Review status: criteria provided, single submitter. Criteria: Ambry Variant Classification Scheme 2023. Collection method: clinical testing. Allele origin: germline.
Comment: The p.Q936H variant (also known as c.2808G>T), located in coding exon 24 of the ANKRD26 gene, results from a G to T substitution at nucleotide position 2808. The glutamine at codon 936 is replaced by histidine, an amino acid with highly similar properties. This amino acid position is conserved. In addition, this alteration is predicted to be tolerated by in silico analysis. Based on the available evidence, the clinical significance of this variant remains unclear.

NM_014915.3(ANKRD26):c.2808G>T (p.Gln936His)

Gene: ANKRD26 (ankyrin repeat domain containing 26; minus strand). Cytogenetic location: 10p12.1.
Variant type: single nucleotide variant.
Coding change: c.2808G>T on transcript NM_014915.3 (MANE Select); coding-DNA position 2808, G replaced by T.
Protein change: p.Gln936His; replaces glutamine 936 with histidine.
Molecular consequence: missense variant.
Genome position (GRCh38, 1-based): chr10:27,035,642, C>A on the plus strand (G>T on the coding strand, the complement: ANKRD26 is on the minus strand). VCF-style: chr10-27035642-C-A. GRCh37 (hg19) VCF-style: chr10-27324571-C-A.
Other names: c.2805G>T, p.Gln935His (NM_001256053.2); short protein forms Q936H, Q935H.
Identifiers: ClinVar variation 3870635 (VCV003870635.1).